The following is an entry in ClinVar:

NM_000059.4(BRCA2):c.6400A>G (p.Asn2134Asp)

Gene: BRCA2 (BRCA2 DNA repair associated; plus strand). Cytogenetic location: 13q13.1.
Variant type: single nucleotide variant.
Coding change: c.6400A>G on transcript NM_000059.4 (MANE Select); coding-DNA position 6400, A replaced by G.
Protein change: p.Asn2134Asp; replaces asparagine 2134 with aspartic acid.
Molecular consequence: missense variant.
Genome position (GRCh38, 1-based): chr13:32,340,755, A>G. VCF-style: chr13-32340755-A-G. GRCh37 (hg19) VCF-style: chr13-32914892-A-G.
Other names: short protein forms N2134D.
Identifiers: ClinVar variation 630827 (VCV000630827.15), dbSNP rs1434431480, ClinGen allele CA387789234.

ClinVar aggregate classification (germline): Conflicting classifications of pathogenicity. Review status: criteria provided, conflicting classifications (1 of 4 stars). 4 submissions from 4 submitters: Uncertain significance (2); Likely benign (2). Last evaluated 2026-02-17.

Conditions:
Hereditary cancer-predisposing syndrome. Also called: Neoplastic Syndromes, Hereditary; Hereditary neoplastic syndrome; Tumor predisposition; Hereditary Cancer Syndrome. Identifiers: Orphanet 140162, MedGen C0027672, MeSH D009386, MONDO:0015356.
Hereditary breast ovarian cancer syndrome. Also called: Hereditary breast and/or ovarian cancer syndrome; Breast and ovarian cancer; Hereditary breast and ovarian cancer; Hereditary breast and ovarian cancer syndrome (HBOC); Hereditary breast and ovarian cancer syndrome; BRCA1- and BRCA2-Associated Hereditary Breast and Ovarian Cancer. Identifiers: Orphanet 145, MedGen C0677776, MeSH D061325, MONDO:0003582. Disease mechanism: loss of function.

Submissions (4):

Ambry Genetics
Classification: Likely benign for Hereditary cancer-predisposing syndrome. Last evaluated: 2026-02-17. Review status: criteria provided, single submitter. Criteria: Ambry Variant Classification Scheme 2023. Collection method: clinical testing. Allele origin: germline.

Labcorp Genetics (formerly Invitae), Labcorp
Classification: Uncertain significance for Hereditary breast ovarian cancer syndrome. Last evaluated: 2024-02-13. Review status: criteria provided, single submitter. Criteria: Invitae Variant Classification Sherloc (09022015). Collection method: clinical testing. Allele origin: germline.
Comment: This sequence change replaces asparagine, which is neutral and polar, with aspartic acid, which is acidic and polar, at codon 2134 of the BRCA2 protein (p.Asn2134Asp). This variant is not present in population databases (gnomAD no frequency). This variant has not been reported in the literature in individuals affected with BRCA2-related conditions. ClinVar contains an entry for this variant (Variation ID: 630827). Advanced modeling of protein sequence and biophysical properties (such as structural, functional, and spatial information, amino acid conservation, physicochemical variation, residue mobility, and thermodynamic stability) performed at Invitae indicates that this missense variant is not expected to disrupt BRCA2 protein function with a negative predictive value of 95%. In summary, the available evidence is currently insufficient to determine the role of this variant in disease. Therefore, it has been classified as a Variant of Uncertain Significance.

University of Washington Department of Laboratory Medicine, University of Washington
Classification: Likely benign for Hereditary cancer-predisposing syndrome. Last evaluated: 2023-03-23. Review status: criteria provided, single submitter. Criteria: Dines et al. (Genet Med. 2020). Collection method: curation. Allele origin: germline.
Comment: Missense variant in a coldspot region where missense variants are very unlikely to be pathogenic (PMID:31911673).

BRCA2 exon 11 coldspot. Reclassification based on statistical prior probability.

Color Diagnostics, LLC DBA Color Health
Classification: Uncertain significance for Hereditary cancer-predisposing syndrome. Last evaluated: 2019-06-05. Review status: criteria provided, single submitter. Criteria: ACMG Guidelines, 2015. Collection method: clinical testing. Allele origin: germline.